The following is an entry in ClinVar:

ClinVar aggregate classification (germline): Uncertain significance (1 of 4 stars; one submission).

Submission:

GeneDx
Classification: Uncertain significance. Last evaluated: 2022-08-30. Review status: criteria provided, single submitter. Criteria: GeneDx Variant Classification Process June 2021. Collection method: clinical testing. Allele origin: germline. Affected: yes.
Comment: Not observed at significant frequency in large population cohorts (gnomAD); In silico analysis supports that this missense variant has a deleterious effect on protein structure/function; Has not been previously published as pathogenic or benign to our knowledge

NM_007118.4(TRIO):c.4264C>G (p.Leu1422Val)

Gene: TRIO (trio Rho guanine nucleotide exchange factor; plus strand). Cytogenetic location: 5p15.2.
Variant type: single nucleotide variant.
Coding change: c.4264C>G on transcript NM_007118.4 (MANE Select); coding-DNA position 4264, C replaced by G.
Protein change: p.Leu1422Val; replaces leucine 1422 with valine.
Molecular consequence: missense variant. On other transcripts: non-coding transcript variant (1).
Genome position (GRCh38, 1-based): chr5:14,394,083, C>G. VCF-style: chr5-14394083-C-G. GRCh37 (hg19) VCF-style: chr5-14394192-C-G.
Other names: short protein forms L1422V.
Identifiers: ClinVar variation 2442514 (VCV002442514.1), dbSNP rs2532919900, ClinGen allele CA359232899.
Genomic context (GRCh38, chr5:14,394,083, plus strand): 5'-TTGGTTTTAATACAGGAGATACAGCAGCGACATGGATTAGCCAATTCCATTTCTTCCTAC[C>G]TTATTAAACCAGTTCAGCGAATAACGAAGTATCAGCTCCTTTTAAAAGTATGTATAATGC-3'
Protein context (NP_009049.2, residues 1412-1432): HGLANSISSY[Leu1422Val]IKPVQRITKY